The following is an entry in ClinVar:

NM_006031.6(PCNT):c.8610G>C (p.Trp2870Cys)

Gene: PCNT (pericentrin; plus strand). Cytogenetic location: 21q22.3.
Variant type: single nucleotide variant.
Coding change: c.8610G>C on transcript NM_006031.6 (MANE Select); coding-DNA position 8610, G replaced by C.
Protein change: p.Trp2870Cys; replaces tryptophan 2870 with cysteine.
Molecular consequence: missense variant. On other transcripts: intron variant (1).
Genome position (GRCh38, 1-based): chr21:46,432,074, G>C. VCF-style: chr21-46432074-G-C. GRCh37 (hg19) VCF-style: chr21-47851988-G-C.
Other names: c.8160+96G>C (NM_001315529.2); short protein forms W2870C.
Identifiers: ClinVar variation 4990508 (VCV004990508.1).

ClinVar aggregate classification (germline): Uncertain significance (1 of 4 stars; one submission).

Conditions:
PCNT-related disorder. Also called: PCNT-related condition.

gnomAD v4.1: 2 of 1,614,094 alleles (0.00012%); highest among the groups gnomAD compares: Admixed American, 0.0017%; no homozygotes.

Submission:

PreventionGenetics, part of Exact Sciences
Classification: Uncertain significance for PCNT-related condition. Last evaluated: 2026-04-21. Review status: criteria provided, single submitter. Criteria: ACMG Guidelines, 2015. Collection method: clinical testing. Allele origin: germline.
Comment: The PCNT c.8610G>C variant is predicted to result in the amino acid substitution p.Trp2870Cys. To our knowledge, this variant has not been reported in the literature. This variant is reported in 0.0058% of alleles in individuals of Latino descent in gnomAD. At this time, the clinical significance of this variant is uncertain due to the absence of conclusive functional and genetic evidence.